The following is an entry in ClinVar:

NM_001042492.3(NF1):c.3074_3096dup (p.Gln1033fs)

Gene: NF1 (neurofibromin 1; plus strand). Cytogenetic location: 17q11.2.
Variant type: Duplication.
Coding change: c.3074_3096dup on transcript NM_001042492.3 (MANE Select); coding-DNA positions 3074 to 3096, 23 bases duplicated (GGAGAGATGACCTCTCATTTTGC).
Protein change: p.Gln1033fs; shifts the reading frame from glutamine 1033.
Molecular consequence: frameshift variant.
Genome position (GRCh38, 1-based): chr17:31,230,343-31,230,365, GGAGAGATGACCTCTCATTTTGC duplicated. VCF-style (leftmost placement, unchanged base first): chr17-31230342-A-AGGAGAGATGACCTCTCATTTTGC. GRCh37 (hg19) VCF-style: chr17-29557360-A-AGGAGAGATGACCTCTCATTTTGC.
Other names: c.3074_3096dupGGAGAGATGACCTCTCATTTTGC (NM_000267.3); c.3074_3096dup, p.Gln1033Glyfs (NM_000267.4); short protein forms Q1033fs.
Identifiers: ClinVar variation 481944 (VCV000481944.5), dbSNP rs1555614527, ClinGen allele CA658656559.

ClinVar aggregate classification (germline): Pathogenic (1 of 4 stars; one submission).

Conditions:
Cardiovascular phenotype. Identifiers: MedGen CN230736.
Hereditary cancer-predisposing syndrome. Also called: Neoplastic Syndromes, Hereditary; Tumor predisposition; Hereditary Cancer Syndrome; Hereditary neoplastic syndrome. Identifiers: Orphanet 140162, MedGen C0027672, MeSH D009386, MONDO:0015356.

Submission:

Ambry Genetics
Classification: Pathogenic for Cardiovascular phenotype; Hereditary cancer-predisposing syndrome. Last evaluated: 2016-08-09. Review status: criteria provided, single submitter. Criteria: Ambry Variant Classification Scheme 2023. Collection method: clinical testing. Allele origin: germline.
Comment: The c.3074_3096dup23 pathogenic mutation, located in coding exon 23 of the NF1 gene, results from a duplication of 23 nucleotides at nucleotide position 3074, causing a translational frameshift with a predicted alternate stop codon. This alteration is expected to result in loss of function by premature protein truncation or nonsense-mediated mRNA decay. As such, this alteration is interpreted as a disease-causing mutation.